The following is an entry in ClinVar:

NM_006859.4(LIAS):c.31A>T (p.Thr11Ser)

Genes: LIAS (lipoic acid synthetase; plus strand), LOC112939935 (Sharpr-MPRA regulatory region 11886; plus strand). Cytogenetic location: 4p14.
Variant type: single nucleotide variant.
Coding change: c.31A>T on transcript NM_006859.4 (MANE Select); coding-DNA position 31, A replaced by T.
Protein change: p.Thr11Ser; replaces threonine 11 with serine.
Molecular consequence: missense variant.
Genome position (GRCh38, 1-based): chr4:39,459,148, A>T. VCF-style: chr4-39459148-A-T. GRCh37 (hg19) VCF-style: chr4-39460768-A-T.
Other names: c.31A>T, p.Thr11Ser (NM_001278590.2, NM_001278591.2, NM_001278592.2 and 2 more transcripts); short protein forms T11S.
Identifiers: ClinVar variation 206037 (VCV000206037.13), dbSNP rs147516123, ClinGen allele CA315735.

ClinVar aggregate classification (germline): Conflicting classifications of pathogenicity. Review status: criteria provided, conflicting classifications (1 of 4 stars). 3 submissions from 3 submitters: Uncertain significance (1); Likely benign (2). Last evaluated 2025-12-08.

Conditions:
Inborn genetic diseases. Identifiers: MedGen C0950123, MeSH D030342.
Lipoic acid synthetase deficiency. Also called: HYPERGLYCINEMIA, LACTIC ACIDOSIS, AND SEIZURES. Identifiers: Orphanet 401859, MedGen C3280887, MONDO:0013762, OMIM 614462.

Allele frequency attached by ClinVar (database versions not stated): gnomAD 0.00009 and 0.00014; gnomAD exomes 0.00010; ExAC 0.00012; ESP Exome Variant Server 0.00015; TOPMed 0.00017.

Submissions (3):

Labcorp Genetics (formerly Invitae), Labcorp
Classification: Likely benign for Lipoic acid synthetase deficiency. Last evaluated: 2025-12-08. Review status: criteria provided, single submitter. Criteria: Invitae Variant Classification Sherloc (09022015). Collection method: clinical testing. Allele origin: germline.

Blueprint Genetics
Classification: Likely benign. Last evaluated: 2023-10-23. Review status: criteria provided, single submitter. Criteria: ACMG Guidelines, 2015. Collection method: clinical testing. Allele origin: germline.

Ambry Genetics
Classification: Uncertain significance for Inborn genetic diseases. Last evaluated: 2021-03-24. Review status: criteria provided, single submitter. Criteria: Ambry Variant Classification Scheme 2023. Collection method: clinical testing. Allele origin: germline.
Comment: The c.31A>T (p.T11S) alteration is located in exon 1 (coding exon 1) of the LIAS gene. This alteration results from a A to T substitution at nucleotide position 31, causing the threonine (T) at amino acid position 11 to be replaced by a serine (S). This alteration was detected in an individual with epilepsy; however, no additional phenotypic information was provided (Darbro, 2016). The p.T11S alteration is predicted to be tolerated by in silico analysis. Based on insufficient or conflicting evidence, the clinical significance of this alteration remains unclear.

Literature cited by the submitters: PubMed 26934580 (cited by Ambry Genetics).